The following is an entry in ClinVar:

ClinVar aggregate classification (germline): Uncertain significance. Review status: criteria provided, multiple submitters, no conflicts (2 of 4 stars). 2 submissions from 2 submitters: Uncertain significance (2). Last evaluated 2025-04-17.

Submissions (2):

Ambry Genetics
Classification: Uncertain significance. Last evaluated: 2025-04-17. Review status: criteria provided, single submitter. Criteria: Ambry Variant Classification Scheme 2023. Collection method: clinical testing. Allele origin: germline.
Comment: The p.P526A variant (also known as c.1576C>G), located in coding exon 9 of the GALNT12 gene, results from a C to G substitution at nucleotide position 1576. The proline at codon 526 is replaced by alanine, an amino acid with highly similar properties. This amino acid position is conserved. In addition, this alteration is predicted to be tolerated by in silico analysis. Since supporting evidence is limited at this time, the clinical significance of this alteration remains unclear.

Labcorp Genetics (formerly Invitae), Labcorp
Classification: Uncertain significance. Last evaluated: 2022-12-30. Review status: criteria provided, single submitter. Criteria: Invitae Variant Classification Sherloc (09022015). Collection method: clinical testing. Allele origin: germline.
Comment: In summary, the available evidence is currently insufficient to determine the role of this variant in disease. Therefore, it has been classified as a Variant of Uncertain Significance. Algorithms developed to predict the effect of missense changes on protein structure and function are either unavailable or do not agree on the potential impact of this missense change (SIFT: "Tolerated"; PolyPhen-2: "Possibly Damaging"; Align-GVGD: "Class C0"). ClinVar contains an entry for this variant (Variation ID: 1775595). This variant has not been reported in the literature in individuals affected with GALNT12-related conditions. This variant is not present in population databases (gnomAD no frequency). This sequence change replaces proline, which is neutral and non-polar, with alanine, which is neutral and non-polar, at codon 526 of the GALNT12 protein (p.Pro526Ala).

NM_024642.5(GALNT12):c.1576C>G (p.Pro526Ala)

Gene: GALNT12 (polypeptide N-acetylgalactosaminyltransferase 12; plus strand). Cytogenetic location: 9q22.33.
Variant type: single nucleotide variant.
Coding change: c.1576C>G on transcript NM_024642.5 (MANE Select); coding-DNA position 1576, C replaced by G.
Protein change: p.Pro526Ala; replaces proline 526 with alanine.
Molecular consequence: missense variant.
Genome position (GRCh38, 1-based): chr9:98,846,094, C>G. VCF-style: chr9-98846094-C-G. GRCh37 (hg19) VCF-style: chr9-101608376-C-G.
Other names: short protein forms P526A.
Identifiers: ClinVar variation 1775595 (VCV001775595.6), dbSNP rs1836408150, ClinGen allele CA374221845.